The following is an entry in ClinVar:

ClinVar aggregate classification (germline): Likely benign. Review status: criteria provided, single submitter (1 of 4 stars). 2 submissions from 2 submitters: Likely benign (1). 1 of the submissions does not count toward it. Last evaluated 2024-06-17.

Conditions:
OTOG-related disorder. Also called: OTOG-related condition.

Allele frequency attached by ClinVar (database versions not stated): TOPMed 0.00005; ExAC 0.00007; gnomAD exomes 0.00007; gnomAD 0.00008 and 0.00009.
gnomAD v4.1: 134 of 1,550,314 alleles (0.0086%); highest among the groups gnomAD compares: Middle Eastern, 0.017%; no homozygotes.

Submissions (2):

Labcorp Genetics (formerly Invitae), Labcorp
Classification: Likely benign. Last evaluated: 2024-06-17. Review status: criteria provided, single submitter. Criteria: Invitae Variant Classification Sherloc (09022015). Collection method: clinical testing. Allele origin: germline.

PreventionGenetics, part of Exact Sciences
Classification: Likely benign for OTOG-related condition. Last evaluated: 2024-04-09. Review status: no assertion criteria provided. Collection method: clinical testing. Allele origin: germline. Not counted in ClinVar's aggregate classification.
Comment: This variant is classified as likely benign based on ACMG/AMP sequence variant interpretation guidelines (Richards et al. 2015 PMID: 25741868, with internal and published modifications).

NM_001292063.2(OTOG):c.1041C>T (p.Asp347=)

Gene: OTOG (otogelin; plus strand). Cytogenetic location: 11p15.1.
Variant type: single nucleotide variant.
Coding change: c.1041C>T on transcript NM_001292063.2 (MANE Select); coding-DNA position 1041, C replaced by T.
Protein change: p.Asp347=; no amino-acid change (aspartic acid 347 retained).
Molecular consequence: synonymous variant.
Genome position (GRCh38, 1-based): chr11:17,558,582, C>T. VCF-style: chr11-17558582-C-T. GRCh37 (hg19) VCF-style: chr11-17580129-C-T.
Other names: c.1077C>T (NM_001277269.1); c.1077C>T, p.Asp359= (NM_001277269.2).
Identifiers: ClinVar variation 1552161 (VCV001552161.7), dbSNP rs774847400, ClinGen allele CA5905437.
Genomic context (GRCh38, chr11:17,558,582, plus strand): 5'-TGGTCCCTTGCTCTAGGGCGTGTACGAGCAGTGTGAGGCTCTACTGCGGCCCCCCTTTGA[C>T]GCCTGCCACGCCTACGTCAGCCCTCTGCCCTTCACAGCCAGTTGTACCAGTGATCTCTGC-3'
Protein context (NP_001278992.1, residues 337-357): QCEALLRPPF[Asp347=]ACHAYVSPLP